The following is an entry in ClinVar:

NM_181507.2(HPS5):c.3293C>T (p.Thr1098Ile)

Gene: HPS5 (HPS5 biogenesis of lysosomal organelles complex 2 subunit 2; minus strand). Cytogenetic location: 11p15.1.
Variant type: single nucleotide variant.
Coding change: c.3293C>T on transcript NM_181507.2 (MANE Select); coding-DNA position 3293, C replaced by T.
Protein change: p.Thr1098Ile; replaces threonine 1098 with isoleucine.
Molecular consequence: missense variant.
Genome position (GRCh38, 1-based): chr11:18,281,986, G>A on the plus strand (C>T on the coding strand, the complement: HPS5 is on the minus strand). VCF-style: chr11-18281986-G-A. GRCh37 (hg19) VCF-style: chr11-18303533-G-A.
Other names: c.2951C>T, p.Thr984Ile (NM_007216.4, NM_181508.2); short protein forms T1098I, T984I.
Identifiers: ClinVar variation 21821 (VCV000021821.29), dbSNP rs61884288, ClinGen allele CA176328.
Genomic context (GRCh38, chr11:18,281,986, plus strand): 5'-GAGGGTAGGACAAACTGATATTACCTCTGCCTTTTCTCAGCAATCCTCAGGATATCGCAG[G>A]TTCTGGTAAACTTCTCTGACAACTCAAGGGCCAGACCACATTCCTGTAGCAGTGACCAAG-3'
Protein context (NP_852608.1, residues 1088-1108): ALELSEKFTR[Thr1098Ile]CDILRIAEKR

ClinVar aggregate classification (germline): Benign/Likely benign. Review status: criteria provided, multiple submitters, no conflicts (2 of 4 stars). 13 submissions from 13 submitters: Benign (8); Likely benign (3). 2 of the submissions do not count toward it. Last evaluated 2026-02-04.

Conditions:
Hermansky-Pudlak syndrome 5 (HPS5). Identifiers: Orphanet 231512, Orphanet 79430, MedGen C3888004, MONDO:0013557, OMIM 614074.

Allele frequency attached by ClinVar (database versions not stated): gnomAD 0.02362 and 0.02435; gnomAD exomes 0.02368 and 0.03436; ESP Exome Variant Server 0.02726; 1000 Genomes Project 30x 0.00999; 1000 Genomes Project 0.01038; TOPMed 0.02294; ExAC 0.02362.
gnomAD v4.1: 53,468 of 1,614,064 alleles (3.3%); highest among the groups gnomAD compares: Non-Finnish European, 4%; 1,023 homozygotes.

Submissions (13):

Labcorp Genetics (formerly Invitae), Labcorp
Classification: Benign. Last evaluated: 2026-02-04. Review status: criteria provided, single submitter. Criteria: Invitae Variant Classification Sherloc (09022015). Collection method: clinical testing. Allele origin: germline.

Blueprint Genetics
Classification: Likely benign. Last evaluated: 2024-11-27. Review status: criteria provided, single submitter. Criteria: ACMG Guidelines, 2015. Collection method: clinical testing. Allele origin: germline.

Mayo Clinic Laboratories, Mayo Clinic
Classification: Benign. Last evaluated: 2023-10-18. Review status: criteria provided, single submitter. Criteria: ACMG Guidelines, 2015. Collection method: clinical testing. Allele origin: germline. Observed: 29 variant alleles.
Comment: BS1, BS2, BP4

Molecular Genetics, Royal Melbourne Hospital
Classification: Benign for Hermansky-Pudlak syndrome 5. Last evaluated: 2023-05-04. Review status: criteria provided, single submitter. Criteria: ACMG Guidelines, 2015. Collection method: clinical testing. Allele origin: germline. Affected: yes.
Comment: European Non-Finnish population allele frequency is 3.63% (rs61884288, 436/10370 alleles, 6 homozygotes in gnomAD v2.1). Based on the classification scheme RMH Modified ACMG/AMP Guidelines v1.4.0, this variant is classified as BENIGN. Following criteria are met: BA1

Women's Health and Genetics/Laboratory Corporation of America, LabCorp
Classification: Likely benign. Last evaluated: 2021-12-10. Review status: criteria provided, single submitter. Criteria: LabCorp Variant Classification Summary - May 2015. Collection method: clinical testing. Allele origin: germline.

GeneDx
Classification: Benign. Last evaluated: 2019-07-31. Review status: criteria provided, single submitter. Criteria: GeneDx Variant Classification Process June 2021. Collection method: clinical testing. Allele origin: germline. Affected: yes.
Comment: This variant is associated with the following publications: (PMID: 15296495, 16420244, 17365864, 28640947, 29090612, 27884173, 22995991, 28296950, 25333069, 20981092)

Illumina Laboratory Services, Illumina
Classification: Benign for Hermansky-Pudlak syndrome 5. Last evaluated: 2018-03-06. Review status: criteria provided, single submitter. Criteria: ICSL Variant Classification Criteria 13 December 2019. Collection method: clinical testing. Allele origin: germline.
Comment: This variant was observed in the ICSL laboratory as part of a predisposition screen in an ostensibly healthy population. It had not been previously curated by ICSL or reported in the Human Gene Mutation Database (HGMD: prior to June 1st, 2018), and was therefore a candidate for classification through an automated scoring system. Utilizing variant allele frequency, disease prevalence and penetrance estimates, and inheritance mode, an automated score was calculated to assess if this variant is too frequent to cause the disease. Based on the score and internal cut-off values, a variant classified as benign is not then subjected to further curation. The score for this variant resulted in a classification of benign for this disease.

Eurofins Ntd Llc (ga)
Classification: Benign. Last evaluated: 2017-07-24. Review status: criteria provided, single submitter. Criteria: EGL Classification Definitions 2015. Collection method: clinical testing. Allele origin: germline. Observed: 1 variant allele, 1 heterozygote.

Laboratory for Molecular Medicine, Mass General Brigham Personalized Medicine
Classification: Benign. Last evaluated: 2014-11-12. Review status: criteria provided, single submitter. Criteria: LMM Criteria. Collection method: clinical testing. Allele origin: germline. Observed: 6 variant alleles.
Comment: p.Thr1098Ile in exon 22 of HPS5: This variant is not expected to have clinical s ignificance because it has been identified in 3.7% (320/8586) of European Americ an chromosomes by the NHLBI Exome Sequencing Project (du/EVS/; dbSNP rs61884288).

Breakthrough Genomics
Classification: Likely benign. Review status: criteria provided, single submitter. Criteria: ACMG Guidelines, 2015. Collection method: not provided. Allele origin: germline. Inheritance: Autosomal recessive inheritance. Affected: yes.

PreventionGenetics, part of Exact Sciences
Classification: Benign. Review status: criteria provided, single submitter. Criteria: ACMG Guidelines, 2015. Collection method: clinical testing. Allele origin: germline.

Clinical Genetics, Academic Medical Center
Classification: Benign. Review status: no assertion criteria provided. Collection method: clinical testing. Allele origin: germline. Affected: yes. Study: VKGL Data-share Consensus. Not counted in ClinVar's aggregate classification.

Genome Diagnostics Laboratory, University Medical Center Utrecht
Classification: Benign. Review status: no assertion criteria provided. Collection method: clinical testing. Allele origin: germline. Affected: yes. Study: VKGL Data-share Consensus. Not counted in ClinVar's aggregate classification.

Literature cited by the submitters: PubMed 15296495 (cited by Laboratory for Molecular Medicine, Mass General Brigham Personalized Medicine); PubMed 22995991 (cited by Laboratory for Molecular Medicine, Mass General Brigham Personalized Medicine).